The following is an entry in ClinVar:

NM_020911.2(PLXNA4):c.1659G>A (p.Ser553=)

Gene: PLXNA4 (plexin A4; minus strand). Cytogenetic location: 7q32.3.
Variant type: single nucleotide variant.
Coding change: c.1659G>A on transcript NM_020911.2 (MANE Select); coding-DNA position 1659, G replaced by A.
Protein change: p.Ser553=; no amino-acid change (serine 553 retained).
Molecular consequence: synonymous variant.
Genome position (GRCh38, 1-based): chr7:132,228,415, C>T on the plus strand (G>A on the coding strand, the complement: PLXNA4 is on the minus strand). VCF-style: chr7-132228415-C-T. GRCh37 (hg19) VCF-style: chr7-131913174-C-T.
Other names: c.1659G>A, p.Ser553= (NM_001393897.1).
Identifiers: ClinVar variation 3352016 (VCV003352016.1).
Genomic context (GRCh38, chr7:132,228,415, plus strand): 5'-GTACTGAGAGACGGAGATATTGTTGGGATGGACCGTCAGCCGGACACACTGCTTCATCTC[C>T]GAGGCAAACCTGCGGGGCTCCTTGGACCGCTCACACCGCTCCTTCCGGGTGCAACTGGGA-3'
Protein context (NP_065962.1, residues 543-563): ERSKEPRRFA[Ser553=]EMKQCVRLTV

ClinVar aggregate classification (germline): Likely benign (0 of 4 stars; one submission).

Conditions:
PLXNA4-related disorder. Also called: PLXNA4-related condition.

gnomAD v4.1: 21 of 1,614,032 alleles (0.0013%); highest among the groups gnomAD compares: African/African-American, 0.0067%; no homozygotes.

Submission:

PreventionGenetics, part of Exact Sciences
Classification: Likely benign for PLXNA4-related condition. Last evaluated: 2022-12-09. Review status: no assertion criteria provided. Collection method: clinical testing. Allele origin: germline.
Comment: This variant is classified as likely benign based on ACMG/AMP sequence variant interpretation guidelines (Richards et al. 2015 PMID: 25741868, with internal and published modifications).